The following is an entry in ClinVar:

NC_012920.1(MT-ND5):m.12997G>A

Gene: MT-ND5 (mitochondrially encoded NADH dehydrogenase 5; plus strand).
Variant type: single nucleotide variant.
Genome position: chrM-12997-G-A.
Identifiers: ClinVar variation 693510 (VCV000693510.1), dbSNP rs1603223994, ClinGen allele CA414815833.

ClinVar aggregate classification (germline): Uncertain significance (1 of 4 stars; one submission).

Conditions:
Leigh syndrome (NULS). Also called: Leigh's necrotizing encephalopathy; Leigh's disease; Leigh Syndrome (mtDNA deletion); Leigh Disease; Subacute necrotizing encephalopathy; Necrotizing encephalopathy infantile subacute of Leigh. Identifiers: Orphanet 506, MedGen C2931891, MONDO:0009723, OMIM 256000.

Submission:

Wong Mito Lab, Molecular and Human Genetics, Baylor College of Medicine
Classification: Uncertain significance for Leigh syndrome. Last evaluated: 2019-10-17. Review status: criteria provided, single submitter. Criteria: Modified ACMG Guidelines (Unpublished). Collection method: clinical testing. Allele origin: germline.
Comment: The NC_012920.1:m.12997G>A (YP_003024036.1:p.Ala221Thr) variant in MTND5 gene is interpretated to be a Uncertain Significance variant based on the modified ACMG guidelines (unpublished). This variant meets the following evidence codes: BP4